The following is an entry in ClinVar:

NM_003072.5(SMARCA4):c.3574C>T (p.Arg1192Cys)

Gene: SMARCA4 (SWI/SNF related BAF chromatin remodeling complex subunit ATPase 4; plus strand). Cytogenetic location: 19p13.2.
Variant type: single nucleotide variant.
Coding change: c.3574C>T on transcript NM_003072.5 (MANE Select); coding-DNA position 3574, C replaced by T.
Protein change: p.Arg1192Cys; replaces arginine 1192 with cysteine.
Molecular consequence: missense variant. On other transcripts: non-coding transcript variant (1).
Genome position (GRCh38, 1-based): chr19:11,033,317, C>T. VCF-style: chr19-11033317-C-T. GRCh37 (hg19) VCF-style: chr19-11143993-C-T.
Other names: c.3574C>T, p.Arg1192Cys (NM_001128844.3, NM_001128845.2, NM_001128846.2 and 5 more transcripts); short protein forms R1192C.
Identifiers: ClinVar variation 570308 (VCV000570308.9), dbSNP rs1568509370, ClinGen allele CA404065210.

ClinVar aggregate classification (germline): Uncertain significance (1 of 4 stars; one submission).
ClinVar aggregate classification (somatic clinical impact): Tier II - Potential (1 of 4 stars; one submission).

Conditions:
Rhabdoid tumor predisposition syndrome 2 (RTPS2). Identifiers: Orphanet 231108, Orphanet 69077, MedGen C2750074, MONDO:0013224, OMIM 613325.
Astrocytoma IDH-mutant. Identifiers: MedGen C5669733.

Allele frequency attached by ClinVar (database versions not stated): gnomAD 0.00001.

Submissions (2):

Institute for Genomic Medicine (IGM) Clinical Laboratory, Nationwide Children's Hospital
Classification: Tier II - Potential for Astrocytoma IDH-mutant. Assertion type: diagnostic. Clinical significance: supports diagnosis. Last evaluated: 2024-04-11. Review status: criteria provided, single submitter. Criteria: AMP/ASCO/CAP Guidelines, 2017. Collection method: clinical testing. Allele origin: somatic. Affected: yes.
Comment: Variant has Tier II (potential) clinical significance as a diagnostic inclusion criterion in Astrocytoma IDH-mutant, based on the following evidence: 1) Documented in one or more cancer databases (e.g., St. Jude Pecan, COSMIC, CIViC, OncoKB). 2) Information in the literature supports potential biologic effect of variant (PMID: 33144586). 3) Diagnostic significance based on multiple small studies (Evidence Level C; PMIDs: 26061751, 28481359).

Labcorp Genetics (formerly Invitae), Labcorp
Classification: Uncertain significance for Rhabdoid tumor predisposition syndrome 2. Last evaluated: 2018-04-16. Review status: criteria provided, single submitter. Criteria: Invitae Variant Classification Sherloc (09022015). Collection method: clinical testing. Allele origin: germline.
Comment: This variant is not present in population databases (ExAC no frequency). This variant has not been reported in the literature in individuals with SMARCA4-related disease. Algorithms developed to predict the effect of missense changes on protein structure and function (SIFT, PolyPhen-2, Align-GVGD) all suggest that this variant is likely to be disruptive, but these predictions have not been confirmed by published functional studies and their clinical significance is uncertain. In summary, the available evidence is currently insufficient to determine the role of this variant in disease. Therefore, it has been classified as a Variant of Uncertain Significance. This sequence change replaces arginine with cysteine at codon 1192 of the SMARCA4 protein (p.Arg1192Cys). The arginine residue is highly conserved and there is a large physicochemical difference between arginine and cysteine.

Literature cited by the submitters: PubMed 33144586 (cited by Institute for Genomic Medicine (IGM) Clinical Laboratory, Nationwide Children's Hospital); PubMed 26061751 (cited by Institute for Genomic Medicine (IGM) Clinical Laboratory, Nationwide Children's Hospital); PubMed 28481359 (cited by Institute for Genomic Medicine (IGM) Clinical Laboratory, Nationwide Children's Hospital).